The following is an entry in ClinVar:

NM_152594.3(SPRED1):c.1327G>C (p.Ala443Pro)

Gene: SPRED1 (sprouty related EVH1 domain containing 1; plus strand). Cytogenetic location: 15q14.
Variant type: single nucleotide variant.
Coding change: c.1327G>C on transcript NM_152594.3 (MANE Select); coding-DNA position 1327, G replaced by C.
Protein change: p.Ala443Pro; replaces alanine 443 with proline.
Molecular consequence: missense variant.
Genome position (GRCh38, 1-based): chr15:38,351,656, G>C. VCF-style: chr15-38351656-G-C. GRCh37 (hg19) VCF-style: chr15-38643857-G-C.
Other names: c.1327G>C (NM_152594.2); short protein forms A443P.
Identifiers: ClinVar variation 2852812 (VCV002852812.4), dbSNP rs2542744717, ClinGen allele CA391934860.

ClinVar aggregate classification (germline): Uncertain significance. Review status: criteria provided, multiple submitters, no conflicts (2 of 4 stars). 2 submissions from 2 submitters: Uncertain significance (2). Last evaluated 2024-12-10.

Conditions:
Legius syndrome. Identifiers: Orphanet 137605, MedGen C1969623, MONDO:0012669, OMIM 611431. Disease mechanism: loss of function.
Cardiovascular phenotype. Identifiers: MedGen CN230736.

Allele frequency attached by ClinVar (database versions not stated): gnomAD exomes below 0.00001.
gnomAD v4.1: 2 of 1,612,294 alleles (0.00012%); highest among the groups gnomAD compares: Non-Finnish European, 0.00017%; no homozygotes.

Submissions (2):

Ambry Genetics
Classification: Uncertain significance for Cardiovascular phenotype. Last evaluated: 2024-12-10. Review status: criteria provided, single submitter. Criteria: Ambry Variant Classification Scheme 2023. Collection method: clinical testing. Allele origin: germline.
Comment: The p.A443P variant (also known as c.1327G>C), located in coding exon 7 of the SPRED1 gene, results from a G to C substitution at nucleotide position 1327. The alanine at codon 443 is replaced by proline, an amino acid with highly similar properties. This amino acid position is conserved. In addition, the in silico prediction for this alteration is inconclusive. Based on the available evidence, the clinical significance of this variant remains unclear.

Labcorp Genetics (formerly Invitae), Labcorp
Classification: Uncertain significance for Legius syndrome. Last evaluated: 2023-08-31. Review status: criteria provided, single submitter. Criteria: Invitae Variant Classification Sherloc (09022015). Collection method: clinical testing. Allele origin: germline.
Comment: This variant has not been reported in the literature in individuals affected with SPRED1-related conditions. Advanced modeling of protein sequence and biophysical properties (such as structural, functional, and spatial information, amino acid conservation, physicochemical variation, residue mobility, and thermodynamic stability) has been performed at Invitae for this missense variant, however the output from this modeling did not meet the statistical confidence thresholds required to predict the impact of this variant on SPRED1 protein function. In summary, the available evidence is currently insufficient to determine the role of this variant in disease. Therefore, it has been classified as a Variant of Uncertain Significance. This sequence change replaces alanine, which is neutral and non-polar, with proline, which is neutral and non-polar, at codon 443 of the SPRED1 protein (p.Ala443Pro). This variant is not present in population databases (gnomAD no frequency).